The following is an entry in ClinVar:

ClinVar aggregate classification (germline): Uncertain significance (1 of 4 stars; one submission).

Submission:

GeneDx
Classification: Uncertain significance. Last evaluated: 2025-09-02. Review status: criteria provided, single submitter. Criteria: GeneDx Variant Classification Process June 2021. Collection method: clinical testing. Allele origin: germline. Affected: yes.
Comment: Not observed at significant frequency in large population cohorts (gnomAD); In silico analysis suggests this variant may impact gene splicing. In the absence of RNA/functional studies, the actual effect of this sequence change is unknown.; Has not been previously published as pathogenic or benign to our knowledge

NM_015465.5(GEMIN5):c.4262_4263insA (p.Cys1421Ter)

Gene: GEMIN5 (gem nuclear organelle associated protein 5; minus strand). Cytogenetic location: 5q33.2.
Variant type: Insertion.
Coding change: c.4262_4263insA on transcript NM_015465.5 (MANE Select); coding-DNA positions 4262 to 4263, A inserted.
Protein change: p.Cys1421Ter; replaces cysteine 1421 with a stop codon.
Molecular consequence: nonsense.
Genome position: GRCh38 VCF-style: chr5-154891240-C-CT. GRCh37 (hg19) VCF-style: chr5-154270800-C-CT.
Other names: c.4259_4260insA, p.Cys1420Ter (NM_001252156.2); short protein forms C1420*, C1421*.
Identifiers: ClinVar variation 4813243 (VCV004813243.1).